The following is an entry in ClinVar:

ClinVar aggregate classification (germline): Uncertain significance (1 of 4 stars; one submission).

gnomAD v4.1: 6 of 1,614,170 alleles (0.00037%); highest among the groups gnomAD compares: Non-Finnish European, 0.00051%; no homozygotes.

Submission:

Ambry Genetics
Classification: Uncertain significance. Last evaluated: 2025-10-21. Review status: criteria provided, single submitter. Criteria: Ambry Variant Classification Scheme 2023. Collection method: clinical testing. Allele origin: germline.
Comment: The p.Q847R variant (also known as c.2540A>G), located in coding exon 1 of the TET2 gene, results from an A to G substitution at nucleotide position 2540. The glutamine at codon 847 is replaced by arginine, an amino acid with highly similar properties. This amino acid position is conserved. In addition, this alteration is predicted to be tolerated by in silico analysis. Based on the available evidence, the clinical significance of this variant remains unclear.

NM_001127208.3(TET2):c.2540A>G (p.Gln847Arg)

Genes: TET2 (tet methylcytosine dioxygenase 2; plus strand), TET2-AS1 (TET2 antisense RNA 1; minus strand). Cytogenetic location: 4q24.
Variant type: single nucleotide variant.
Coding change: c.2540A>G on transcript NM_001127208.3 (MANE Select); coding-DNA position 2540, A replaced by G.
Protein change: p.Gln847Arg; replaces glutamine 847 with arginine.
Molecular consequence: missense variant.
Genome position (GRCh38, 1-based): chr4:105,236,482, A>G. VCF-style: chr4-105236482-A-G. GRCh37 (hg19) VCF-style: chr4-106157639-A-G.
Other names: c.2540A>G, p.Gln847Arg (NM_017628.4); short protein forms Q847R.
Identifiers: ClinVar variation 4594167 (VCV004594167.1).
Genomic context (GRCh38, chr4:105,236,482, plus strand): 5'-CATGCAAAATACAGGTTTCTTGTTCAAACAATACACACCTAGTTTCAGAGAATAAAGAAC[A>G]GACTACACATCCTGAACTTTTTGCAGGAAACAAGACCCAAAACTTGCATCACATGCAATA-3'
Protein context (NP_001120680.1, residues 837-857): NTHLVSENKE[Gln847Arg]TTHPELFAGN